The following is an entry in ClinVar:

NM_000059.4(BRCA2):c.2657A>G (p.Asn886Ser)

Gene: BRCA2 (BRCA2 DNA repair associated; plus strand). Cytogenetic location: 13q13.1.
Variant type: single nucleotide variant.
Coding change: c.2657A>G on transcript NM_000059.4 (MANE Select); coding-DNA position 2657, A replaced by G.
Protein change: p.Asn886Ser; replaces asparagine 886 with serine.
Molecular consequence: missense variant.
Genome position (GRCh38, 1-based): chr13:32,337,012, A>G. VCF-style: chr13-32337012-A-G. GRCh37 (hg19) VCF-style: chr13-32911149-A-G.
Other names: 2885A>G; short protein forms N886S.
Identifiers: ClinVar variation 91782 (VCV000091782.26), dbSNP rs80358526, ClinGen allele CA015957.

ClinVar aggregate classification (germline): Conflicting classifications of pathogenicity. Review status: criteria provided, conflicting classifications (1 of 4 stars). 8 submissions from 8 submitters: Uncertain significance (5); Likely benign (2). 1 of the submissions does not count toward it. Last evaluated 2025-12-17.

Conditions:
Hereditary cancer-predisposing syndrome. Also called: Hereditary Cancer Syndrome; Neoplastic Syndromes, Hereditary; Hereditary neoplastic syndrome; Tumor predisposition. Identifiers: Orphanet 140162, MedGen C0027672, MeSH D009386, MONDO:0015356.
Breast-ovarian cancer, familial, susceptibility to, 2 (BROVCA2). Also called: BRCA2 Hereditary Breast and Ovarian Cancer. Identifiers: Orphanet 145, MedGen C2675520, MONDO:0012933, OMIM 612555. Disease mechanism: loss of function.
Fanconi anemia complementation group D1. Also called: BRCA2-Related Fanconi Anemia. Identifiers: Orphanet 319462, MedGen C1838457, MONDO:0011584, OMIM 605724.
Medulloblastoma (MDB). Also called: MEDULLOBLASTOMA PREDISPOSITION SYNDROME; Medulloblastoma, somatic. Identifiers: Orphanet 616, MedGen C0025149, MeSH D008527, MONDO:0007959, OMIM 155255, HP:0002885.
Pancreatic cancer, susceptibility to, 2. Identifiers: Orphanet 1333, MedGen C3150546, MONDO:0013235, OMIM 613347.
Glioma susceptibility 3 (GLM3). Also called: Glioblastoma 3. Identifiers: Orphanet 182067, Orphanet 360, MedGen C2751641, MONDO:0013093, OMIM 613029.
Wilms tumor 1 (WT1). Also called: Wilms tumor, somatic. Identifiers: Orphanet 654, MedGen CN033288, MONDO:0008679, OMIM 194070.
Familial cancer of breast. Also called: hereditary breast carcinoma; BREAST CANCER, FAMILIAL; Hereditary breast cancer. Identifiers: Orphanet 227535, MedGen C0346153, MONDO:0016419, OMIM 114480. Disease mechanism: loss of function.
Prostate cancer. Also called: Malignant tumor of prostate. Identifiers: Orphanet 1331, MedGen C0376358, MONDO:0008315, HP:0012125.
Hereditary breast ovarian cancer syndrome. Also called: Hereditary breast and ovarian cancer syndrome; Breast and ovarian cancer; Hereditary breast and ovarian cancer syndrome (HBOC); BRCA1- and BRCA2-Associated Hereditary Breast and Ovarian Cancer; Hereditary breast and/or ovarian cancer syndrome; Hereditary breast and ovarian cancer. Identifiers: Orphanet 145, MedGen C0677776, MeSH D061325, MONDO:0003582. Disease mechanism: loss of function.

Allele frequency attached by ClinVar (database versions not stated): gnomAD exomes below 0.00001; TOPMed below 0.00001; ExAC 0.00001.
gnomAD v4.1: 4 of 1,590,422 alleles (0.00025%); highest among the groups gnomAD compares: South Asian, 0.0035%; no homozygotes.

Submissions (8):

Labcorp Genetics (formerly Invitae), Labcorp
Classification: Uncertain significance for Hereditary breast ovarian cancer syndrome. Last evaluated: 2025-12-17. Review status: criteria provided, single submitter. Criteria: Invitae Variant Classification Sherloc (09022015). Collection method: clinical testing. Allele origin: germline.
Comment: This sequence change replaces asparagine, which is neutral and polar, with serine, which is neutral and polar, at codon 886 of the BRCA2 protein (p.Asn886Ser). This variant is present in population databases (rs80358526, gnomAD 0.004%). This missense change has been observed in individual(s) with a personal and/or family history of breast and/or ovarian cancer (PMID: 22684231). ClinVar contains an entry for this variant (Variation ID: 91782). Invitae Evidence Modeling of protein sequence and biophysical properties (such as structural, functional, and spatial information, amino acid conservation, physicochemical variation, residue mobility, and thermodynamic stability) indicates that this missense variant is not expected to disrupt BRCA2 protein function with a negative predictive value of 95%. In summary, the available evidence is currently insufficient to determine the role of this variant in disease. Therefore, it has been classified as a Variant of Uncertain Significance.

Ambry Genetics
Classification: Likely benign for Hereditary cancer-predisposing syndrome. Last evaluated: 2025-07-03. Review status: criteria provided, single submitter. Criteria: Ambry Variant Classification Scheme 2023. Collection method: clinical testing. Allele origin: germline.

University of Washington Department of Laboratory Medicine, University of Washington
Classification: Likely benign for Hereditary cancer-predisposing syndrome. Last evaluated: 2023-03-23. Review status: criteria provided, single submitter. Criteria: Dines et al. (Genet Med. 2020). Collection method: curation. Allele origin: germline.
Comment: Missense variant in a coldspot region where missense variants are very unlikely to be pathogenic (PMID:31911673).

BRCA2 exon 11 coldspot. Reclassification based on statistical prior probability.

Fulgent Genetics
Classification: Uncertain significance for Familial cancer of breast; Medulloblastoma; Familial prostate cancer; Wilms tumor 1; Fanconi anemia complementation group D1; Breast-ovarian cancer, familial, susceptibility to, 2; Glioma susceptibility 3; Pancreatic cancer, susceptibility to, 2. Last evaluated: 2022-04-07. Review status: criteria provided, single submitter. Criteria: ACMG Guidelines, 2015. Collection method: clinical testing. Allele origin: unknown.

Quest Diagnostics Nichols Institute San Juan Capistrano
Classification: Uncertain significance. Last evaluated: 2021-05-21. Review status: criteria provided, single submitter. Criteria: Quest Diagnostics criteria. Collection method: clinical testing. Allele origin: unknown.

Color Diagnostics, LLC DBA Color Health
Classification: Uncertain significance for Hereditary cancer-predisposing syndrome. Last evaluated: 2021-03-02. Review status: criteria provided, single submitter. Criteria: ACMG Guidelines, 2015. Collection method: clinical testing. Allele origin: germline.
Comment: This missense variant replaces asparagine with serine at codon 886 of the BRCA2 protein. Computational prediction suggests that this variant may not impact protein structure and function (internally defined REVEL score threshold <= 0.5, PMID: 27666373). Splice site prediction tools suggest that this variant may not impact RNA splicing. To our knowledge, functional studies have not been performed for this variant. This variant has been reported in at least one individual with suspected hereditary breast/ovarian cancer (PMID: 22684231, 28814288). This variant has been identified in 1/231216 chromosomes in the general population by the Genome Aggregation Database (gnomAD). The available evidence is insufficient to determine the role of this variant in disease conclusively. Therefore, this variant is classified as a Variant of Uncertain Significance.

University of Science and Technology Houari Boumediene, Laboratory of Molecular and Cellular Biology (LBCM)
Classification: Uncertain significance for Breast-ovarian cancer, familial, susceptibility to, 2. Review status: criteria provided, single submitter. Criteria: ACMG Guidelines, 2015. Collection method: clinical testing. Allele origin: germline. Affected: yes. Observed: 1 heterozygote.

Sharing Clinical Reports Project (SCRP)
Classification: Uncertain significance for Breast-ovarian cancer, familial 2. Last evaluated: 2012-01-04. Review status: no assertion criteria provided. Collection method: clinical testing. Allele origin: germline. Not counted in ClinVar's aggregate classification.

Literature cited by the submitters: PubMed 22684231 (cited by 4 submitters); PubMed 23697973 (cited by University of Science and Technology Houari Boumediene, Laboratory of Molecular and Cellular Biology (LBCM)).